The following is an entry in ClinVar:

NM_006005.3(WFS1):c.1309G>A (p.Gly437Ser)

Gene: WFS1 (wolframin ER transmembrane glycoprotein; plus strand). Cytogenetic location: 4p16.1.
Variant type: single nucleotide variant.
Coding change: c.1309G>A on transcript NM_006005.3 (MANE Select); coding-DNA position 1309, G replaced by A.
Protein change: p.Gly437Ser; replaces glycine 437 with serine.
Molecular consequence: missense variant.
Genome position (GRCh38, 1-based): chr4:6,301,104, G>A. VCF-style: chr4-6301104-G-A. GRCh37 (hg19) VCF-style: chr4-6302831-G-A.
Other names: c.1309G>A, p.Gly437Ser (NM_001145853.1); short protein forms G437S.
Identifiers: ClinVar variation 215356 (VCV000215356.20), dbSNP rs147974629, ClinGen allele CA322119.

ClinVar aggregate classification (germline): Benign/Likely benign. Review status: criteria provided, multiple submitters, no conflicts (2 of 4 stars). 8 submissions from 7 submitters: Benign (1); Likely benign (7). Last evaluated 2026-03-13.

Conditions:
WFS1-Related Spectrum Disorders.
Autosomal dominant nonsyndromic hearing loss 6 (LFSNHL). Also called: DEAFNESS, AUTOSOMAL DOMINANT 14; DEAFNESS, AUTOSOMAL DOMINANT 38; DEAFNESS, AUTOSOMAL DOMINANT 6; Autosomal dominant nonsyndromic deafness 6. Identifiers: Orphanet 90635, MedGen C1833021, MONDO:0010963, OMIM 600965.

Allele frequency attached by ClinVar (database versions not stated): gnomAD 0.00021 and 0.00025; TOPMed 0.00050; 1000 Genomes Project 0.00100; 1000 Genomes Project 30x 0.00109.
gnomAD v4.1: 279 of 1,613,738 alleles (0.017%); highest among the groups gnomAD compares: East Asian, 0.43%; 2 homozygotes.

Submissions (8):

Women's Health and Genetics/Laboratory Corporation of America, LabCorp
Classification: Likely benign. Last evaluated: 2026-03-13. Review status: criteria provided, single submitter. Criteria: LabCorp Variant Classification Summary - May 2015. Collection method: clinical testing. Allele origin: germline.
Comment: Variant summary: WFS1 c.1309G>A (p.Gly437Ser) results in a non-conservative amino acid change in the encoded protein sequence. Algorithms developed to predict the effect of missense changes on protein structure and function are either unavailable or do not agree on the potential impact of this missense change. The variant allele was found at a frequency of 0.00063 in 251056 control chromosomes, predominantly at a frequency of 0.008 within the East Asian subpopulation in the gnomAD database, including 2 homozygotes. The observed variant frequency within East Asian control individuals in the gnomAD database exceeds the estimated maximal expected allele frequency for disease-causing variants in WFS1. To our knowledge, no occurrence of c.1309G>A in individuals affected with WFS1-related conditions and no experimental evidence demonstrating its impact on protein function have been reported. ClinVar contains an entry for this variant (Variation ID: 215356). Based on the evidence outlined above, the variant was classified as likely benign.

Labcorp Genetics (formerly Invitae), Labcorp
Classification: Benign. Last evaluated: 2026-01-24. Review status: criteria provided, single submitter. Criteria: Invitae Variant Classification Sherloc (09022015). Collection method: clinical testing. Allele origin: germline.

Blueprint Genetics
Classification: Likely benign. Last evaluated: 2024-09-18. Review status: criteria provided, single submitter. Criteria: ACMG Guidelines, 2015. Collection method: clinical testing. Allele origin: germline.

ARUP Laboratories, Molecular Genetics and Genomics, ARUP Laboratories
Classification: Likely benign. Last evaluated: 2023-10-17. Review status: criteria provided, single submitter. Criteria: ARUP Molecular Germline Variant Investigation Process 2024. Collection method: clinical testing. Allele origin: germline.

GeneDx
Classification: Likely benign. Last evaluated: 2021-09-23. Review status: criteria provided, single submitter. Criteria: GeneDx Variant Classification Process June 2021. Collection method: clinical testing. Allele origin: germline. Affected: yes.
Comment: This variant is associated with the following publications: (PMID: 27610647)

Laboratory for Molecular Medicine, Mass General Brigham Personalized Medicine
Classification: Likely benign. Last evaluated: 2017-08-23. Review status: criteria provided, single submitter. Criteria: LMM Criteria. Collection method: clinical testing. Allele origin: germline. Observed: 1 variant allele.
Comment: p.Gly437Ser in exon 8 of WFS1: This variant is not expected to have clinical sig nificance because it has been identified in 0.80% (69/8654) of East Asian chromo somes by the Exome Aggregation Consortium (ExAC; dbSNP rs147974629).

Illumina Laboratory Services, Illumina
Classification: Likely benign for Autosomal dominant nonsyndromic hearing loss 6. Last evaluated: 2017-04-27. Review status: criteria provided, single submitter. Criteria: ICSL Variant Classification Criteria 13 December 2019. Collection method: clinical testing. Allele origin: germline.
Comment: This variant was observed as part of a predisposition screen in an ostensibly healthy population. A literature search was performed for the gene, cDNA change, and amino acid change (where applicable). Publications were found based on this search. The evidence from the literature, in combination with allele frequency data from public databases where available, was sufficient to determine this variant is unlikely to cause disease. Therefore, this variant is classified as likely benign.

Illumina Laboratory Services, Illumina
Classification: Likely benign for WFS1-Related Spectrum Disorders. Last evaluated: 2017-04-27. Review status: criteria provided, single submitter. Criteria: ICSL Variant Classification Criteria 13 December 2019. Collection method: clinical testing. Allele origin: germline.
Comment: This variant was observed as part of a predisposition screen in an ostensibly healthy population. A literature search was performed for the gene, cDNA change, and amino acid change (where applicable). No publications were found based on this search. Allele frequency data from public databases allowed determination this variant is unlikely to cause disease. Therefore, this variant is classified as likely benign.

Literature cited by the submitters: PubMed 10521293 (cited by Illumina Laboratory Services, Illumina).